The following is an entry in ClinVar:

NM_000104.4(CYP1B1):c.3G>A (p.Met1Ile)

Gene: CYP1B1 (cytochrome P450 family 1 subfamily B member 1; minus strand). Cytogenetic location: 2p22.2.
Variant type: single nucleotide variant.
Coding change: c.3G>A on transcript NM_000104.4 (MANE Select); coding-DNA position 3, G replaced by A.
Protein change: p.Met1Ile; changes the start codon (methionine 1).
Molecular consequence: missense variant, initiator codon variant.
Genome position (GRCh38, 1-based): chr2:38,075,386, C>T on the plus strand (G>A on the coding strand, the complement: CYP1B1 is on the minus strand). VCF-style: chr2-38075386-C-T. GRCh37 (hg19) VCF-style: chr2-38302529-C-T.
Other names: short protein forms M1I.
Identifiers: ClinVar variation 3896352 (VCV003896352.3).

ClinVar aggregate classification (germline): Pathogenic/Likely pathogenic. Review status: criteria provided, multiple submitters, no conflicts (2 of 4 stars). 2 submissions from 2 submitters: Pathogenic (1); Likely pathogenic (1). Last evaluated 2025-10-23.

Conditions:
Primary congenital glaucoma. Also called: Primary congenital glaucoma (disease). Identifiers: MedGen C1533041, MONDO:0000365, HP:0008007.
Glaucoma 3A. Also called: Glaucoma 3, primary congenital, A. Identifiers: Orphanet 98976, Orphanet 98977, MedGen C1856439, MONDO:0009277, OMIM 231300.

Submissions (2):

Variantyx, Inc.
Classification: Pathogenic for Glaucoma 3A. Last evaluated: 2025-10-23. Review status: criteria provided, single submitter. Criteria: Variantyx Assertion Criteria 2022. Collection method: clinical testing. Allele origin: germline. Inheritance: Autosomal recessive inheritance. Affected: yes.
Comment: This is a start-loss variant in the CYP1B1 gene (OMIM: 601771). Pathogenic variants in this gene have been associated with autosomal recessive primary congenital glaucoma 3A. This variant results in loss of the initiation codonand is expected to result in loss of function, which is a known disease mechanism for CYP1B1 in this disorder (PVS1) (PMID: 17914928). The maximum allele frequency in non-founder control populations of this variant is 0.0005% (PM2). Based on the current evidence, this variant is classified as pathogenic for autosomal recessive primary congenital glaucoma 3A.

Women's Health and Genetics/Laboratory Corporation of America, LabCorp
Classification: Likely pathogenic for Primary congenital glaucoma. Last evaluated: 2025-04-10. Review status: criteria provided, single submitter. Criteria: LabCorp Variant Classification Summary - May 2015. Collection method: clinical testing. Allele origin: germline.
Comment: Variant summary: CYP1B1 c.3G>A (p.Met1Ile) alters the initiation codon and is predicted to result either in absence of the protein or truncation of the encoded protein due to translation initiation at a downstream codon. The next downstream in-frame methionine is loacted at codon p.132. Multiple variants upstream of this position are classified pathogenic by our laboratory, indicating that this region is functionally important. Two of two in-silico tools predict a benign effect of the variant on protein function. The variant was absent in 245260 control chromosomes. c.3G>A has been reported in the literature in the compound heterozygous state in at least one individual affected with Primary Congenital Glaucoma (Cai_2021). To our knowledge, no experimental evidence demonstrating an impact on protein function has been reported. No submitters have cited clinical-significance assessments for this variant to ClinVar. Based on the evidence outlined above, the variant was classified as likely pathogenic.

Literature cited by the submitters: PubMed 34528698 (cited by Variantyx, Inc. and Women's Health and Genetics/Laboratory Corporation of America, LabCorp); PubMed 17914928 (cited by Variantyx, Inc.).